The following is an entry in ClinVar:

NM_001378454.1(ALMS1):c.920G>A (p.Gly307Glu)

Gene: ALMS1 (ALMS1 centrosome and basal body associated protein; plus strand). Cytogenetic location: 2p13.1.
Variant type: single nucleotide variant.
Coding change: c.920G>A on transcript NM_001378454.1 (MANE Select); coding-DNA position 920, G replaced by A.
Protein change: p.Gly307Glu; replaces glycine 307 with glutamic acid.
Molecular consequence: missense variant.
Genome position (GRCh38, 1-based): chr2:73,424,585, G>A. VCF-style: chr2-73424585-G-A. GRCh37 (hg19) VCF-style: chr2-73651713-G-A.
Other names: c.923G>A, p.Gly308Glu (NM_015120.4); short protein forms G307E, G308E.
Identifiers: ClinVar variation 1368476 (VCV001368476.6), dbSNP rs2103714961, ClinGen allele CA347260887.
Genomic context (GRCh38, chr2:73,424,585, plus strand): 5'-ACTTAGCAAGCAGTCGCTTTAGTGTATCTCAGCACCCGCTTATAGGCAGCACAGCTGTTG[G>A]GTCTCAGTGCCCTTTTTTACCTTCTGAACAAGGGAATAATGAAGAGACTATTTCGTCTGT-3'
Protein context (NP_001365383.1, residues 297-317): QHPLIGSTAV[Gly307Glu]SQCPFLPSEQ

ClinVar aggregate classification (germline): Uncertain significance (1 of 4 stars; one submission).

Conditions:
Alstrom syndrome (ALMS). Identifiers: Orphanet 64, MedGen C0268425, MONDO:0008763, OMIM 203800.

Allele frequency attached by ClinVar (database versions not stated): gnomAD exomes below 0.00001.
gnomAD v4.1: 1 of 1,613,934 alleles (0.000062%); highest among the groups gnomAD compares: Non-Finnish European, 0.000085%; no homozygotes.

Submission:

Labcorp Genetics (formerly Invitae), Labcorp
Classification: Uncertain significance for Alstrom syndrome. Last evaluated: 2022-08-23. Review status: criteria provided, single submitter. Criteria: Invitae Variant Classification Sherloc (09022015). Collection method: clinical testing. Allele origin: germline.
Comment: This variant is not present in population databases (gnomAD no frequency). In summary, the available evidence is currently insufficient to determine the role of this variant in disease. Therefore, it has been classified as a Variant of Uncertain Significance. Experimental studies and prediction algorithms are not available or were not evaluated, and the functional significance of this variant is currently unknown. ClinVar contains an entry for this variant (Variation ID: 1368476). This variant has not been reported in the literature in individuals affected with ALMS1-related conditions. This sequence change replaces glycine with glutamic acid at codon 308 of the ALMS1 protein (p.Gly308Glu). The glycine residue is weakly conserved and there is a moderate physicochemical difference between glycine and glutamic acid.